The following is an entry in ClinVar:

NC_000019.9:g.(?_50887648)_(50902751_?)dup

Gene: POLD1 (DNA polymerase delta 1, catalytic subunit; plus strand). Cytogenetic location: 19q13.33.
Variant type: Duplication.
Identifiers: ClinVar variation 2424521 (VCV002424521.3).

ClinVar aggregate classification (germline): Uncertain significance (1 of 4 stars; one submission).

Conditions:
POLD1-related polyposis and colorectal cancer syndrome (CRCS10). Also called: COLORECTAL CANCER, SUSCEPTIBILITY TO, ON CHROMOSOME 19q; Colorectal cancer 10; Colorectal cancer, susceptibility to, 10. Identifiers: Orphanet 220460, MedGen C2675481, MONDO:0012953, OMIM 612591.

Submission:

Labcorp Genetics (formerly Invitae), Labcorp
Classification: Uncertain significance for POLD1-related polyposis and colorectal cancer syndrome. Last evaluated: 2021-10-16. Review status: criteria provided, single submitter. Criteria: Invitae Variant Classification Sherloc (09022015). Collection method: clinical testing. Allele origin: germline.
Comment: This variant results in a copy number gain of the genomic region encompassing exon(s) 2-3 of the POLD1 gene. This region includes the initiator codon of the gene. The 5' end of this event is unknown as it extends beyond the assayed region for this gene and therefore may encompass additional genes. The 3' boundary is likely confined to intron 3 of the POLD1 gene. As the precise location of this event is unknown, it may be in tandem or it may be located elsewhere in the genome. This variant has not been reported in the literature in individuals with POLD1-related conditions. Experimental studies and prediction algorithms are not available or were not evaluated, and the functional significance of this variant is currently unknown. In summary, the available evidence is currently insufficient to determine the role of this variant in disease. Therefore, it has been classified as a Variant of Uncertain Significance.